The following is an entry in ClinVar:

ClinVar aggregate classification (germline): Uncertain significance (1 of 4 stars; one submission).

gnomAD v4.1: 2 of 1,614,204 alleles (0.00012%); highest among the groups gnomAD compares: South Asian, 0.0022%; no homozygotes.

Submission:

Labcorp Genetics (formerly Invitae), Labcorp
Classification: Uncertain significance. Last evaluated: 2023-08-23. Review status: criteria provided, single submitter. Criteria: Invitae Variant Classification Sherloc (09022015). Collection method: clinical testing. Allele origin: germline.
Comment: This variant has not been reported in the literature in individuals affected with DUOX2-related conditions. This sequence change replaces arginine, which is basic and polar, with glycine, which is neutral and non-polar, at codon 1033 of the DUOX2 protein (p.Arg1033Gly). This variant is not present in population databases (gnomAD no frequency). Advanced modeling of protein sequence and biophysical properties (such as structural, functional, and spatial information, amino acid conservation, physicochemical variation, residue mobility, and thermodynamic stability) performed at Invitae indicates that this missense variant is expected to disrupt DUOX2 protein function. In summary, the available evidence is currently insufficient to determine the role of this variant in disease. Therefore, it has been classified as a Variant of Uncertain Significance.

NM_001363711.2(DUOX2):c.3097C>G (p.Arg1033Gly)

Gene: DUOX2 (dual oxidase 2; minus strand). Cytogenetic location: 15q21.1.
Variant type: single nucleotide variant.
Coding change: c.3097C>G on transcript NM_001363711.2 (MANE Select); coding-DNA position 3097, C replaced by G.
Protein change: p.Arg1033Gly; replaces arginine 1033 with glycine.
Molecular consequence: missense variant.
Genome position (GRCh38, 1-based): chr15:45,100,137, G>C on the plus strand (C>G on the coding strand, the complement: DUOX2 is on the minus strand). VCF-style: chr15-45100137-G-C. GRCh37 (hg19) VCF-style: chr15-45392335-G-C.
Other names: c.3097C>G, p.Arg1033Gly (NM_014080.5); short protein forms R1033G.
Identifiers: ClinVar variation 2864481 (VCV002864481.3), dbSNP rs375497461, ClinGen allele CA392263713.
Genomic context (GRCh38, chr15:45,100,137, plus strand): 5'-CACAGATGGCCGAGAAGATTGCCACACACACGATGTGCCTCCGGTAGTTCTCCACGAAGC[G>C]CTTGTACTGCTGCAGCTTTTGGGCTAGGAAGCCTCGCTGCATCTTCTCTTGCAGCGCCTC-3'
Protein context (NP_001350640.1, residues 1023-1043): FLAQKLQQYK[Arg1033Gly]FVENYRRHIV